The following is an entry in ClinVar:

NM_002529.4(NTRK1):c.1488C>A (p.Tyr496Ter)

Gene: NTRK1 (neurotrophic receptor tyrosine kinase 1; plus strand). Cytogenetic location: 1q23.1.
Variant type: single nucleotide variant.
Coding change: c.1488C>A on transcript NM_002529.4 (MANE Select); coding-DNA position 1488, C replaced by A.
Protein change: p.Tyr496Ter; replaces tyrosine 496 with a stop codon.
Molecular consequence: nonsense.
Genome position (GRCh38, 1-based): chr1:156,875,653, C>A. VCF-style: chr1-156875653-C-A. GRCh37 (hg19) VCF-style: chr1-156845445-C-A.
Other names: c.1380C>A, p.Tyr460Ter (NM_001007792.1); c.1470C>A, p.Tyr490Ter (NM_001012331.2); short protein forms Y496*, Y460*, Y490*.
Identifiers: ClinVar variation 5004242 (VCV005004242.1).

ClinVar aggregate classification (germline): Pathogenic (1 of 4 stars; one submission).

Conditions:
Hereditary insensitivity to pain with anhidrosis (CIPA). Also called: NTRK1 Congenital Insensitivity to Pain with Anhidrosis; INSENSITIVITY TO PAIN, CONGENITAL, WITH ANHIDROSIS; NEUROPATHY, CONGENITAL SENSORY, WITH ANHIDROSIS; FAMILIAL DYSAUTONOMIA, TYPE II; HSAN Type IV; hereditary sensory and autonomic neuropathy type 4. Identifiers: Orphanet 642, MedGen C0020074, MONDO:0009746, OMIM 256800.

gnomAD v4.1: 1 of 1,612,576 alleles (0.000062%); highest among the groups gnomAD compares: Non-Finnish European, 0.000085%; no homozygotes.

Submission:

Myriad Genetics, Inc.
Classification: Pathogenic for Hereditary insensitivity to pain with anhidrosis. Last evaluated: 2025-10-24. Review status: criteria provided, single submitter. Criteria: Myriad Autosomal Dominant, Autosomal Recessive and X-Linked Classification Criteria (2023). Collection method: clinical testing. Allele origin: unknown.
Comment: NM_002529.3(NTRK1):c.1488C>A(Y496*) is a nonsense variant classified as pathogenic in the context of congenital insensitivity to pain with anhidrosis, NTRK1-related. Y496* has not been observed in cases with relevant disease. Relevant functional assessments of this variant are not available in the literature. Y496* has not been observed in referenced population frequency databases. In summary, NM_002529.3(NTRK1):c.1488C>A(Y496*) is a nonsense variant in a gene where loss of function is a known mechanism of disease and is predicted to disrupt protein function. Please note: this variant was assessed in the context of healthy population screening.